The following is an entry in ClinVar:

NM_002528.7(NTHL1):c.686-4G>A

Gene: NTHL1 (nth like DNA glycosylase 1; minus strand). Cytogenetic location: 16p13.3.
Variant type: single nucleotide variant.
Coding change: c.686-4G>A on transcript NM_002528.7 (MANE Select); 4 bases into the intron before coding-DNA position 686, G replaced by A.
Molecular consequence: intron variant.
Genome position (GRCh38, 1-based): chr16:2,040,242, C>T on the plus strand (G>A on the coding strand, the complement: NTHL1 is on the minus strand). VCF-style: chr16-2040242-C-T. GRCh37 (hg19) VCF-style: chr16-2090243-C-T.
Other names: c.356-4G>A (NM_001318194.2); c.515-4G>A (NM_001318193.2).
Identifiers: ClinVar variation 740712 (VCV000740712.15), dbSNP rs1285427476, ClinGen allele CA620372288.
Genomic context (GRCh38, chr16:2,040,242, plus strand): 5'-TTGCCTTCTTGGTCCACCTCAGCCTGTTGGCGATTCTGTGCACATGCGTGTCCACTGCTG[C>T]TGGGAGGCCAAGCGGGGTGAACAGGGGCACACTCCACCAGCCTAGCCCGTGCCCCTCCCC-3'

ClinVar aggregate classification (germline): Conflicting classifications of pathogenicity. Review status: criteria provided, conflicting classifications (1 of 4 stars). 3 submissions from 3 submitters: Uncertain significance (2); Likely benign (1). Last evaluated 2025-12-01.

Conditions:
Hereditary cancer-predisposing syndrome. Also called: Neoplastic Syndromes, Hereditary; Hereditary Cancer Syndrome; Tumor predisposition; Hereditary neoplastic syndrome. Identifiers: Orphanet 140162, MedGen C0027672, MeSH D009386, MONDO:0015356.

Allele frequency attached by ClinVar (database versions not stated): gnomAD exomes below 0.00001 and 0.00001; TOPMed below 0.00001; gnomAD 0.00001.

Submissions (3):

Labcorp Genetics (formerly Invitae), Labcorp
Classification: Likely benign. Last evaluated: 2025-12-01. Review status: criteria provided, single submitter. Criteria: Invitae Variant Classification Sherloc (09022015). Collection method: clinical testing. Allele origin: germline.

Ambry Genetics
Classification: Uncertain significance for Hereditary cancer-predisposing syndrome. Last evaluated: 2025-04-16. Review status: criteria provided, single submitter. Criteria: Ambry Variant Classification Scheme 2023. Collection method: clinical testing. Allele origin: germline.
Comment: The c.710-4G>A intronic variant results from a G to A substitution 4 nucleotides upstream from coding exon 5 in the NTHL1 gene. This nucleotide position is not well conserved in available vertebrate species. In silico splice site analysis predicts that this alteration may result in the creation or strengthening of a novel splice acceptor site. Since supporting evidence is limited at this time, the clinical significance of this alteration remains unclear.

GeneDx
Classification: Uncertain significance. Last evaluated: 2024-11-04. Review status: criteria provided, single submitter. Criteria: GeneDx Variant Classification Process June 2021. Collection method: clinical testing. Allele origin: germline. Affected: yes.
Comment: Not observed at significant frequency in large population cohorts (gnomAD); Has not been previously published as pathogenic or benign to our knowledge; In silico analysis is inconclusive as to whether the variant alters gene splicing. In the absence of RNA/functional studies, the actual effect of this sequence change is unknown.